The following is an entry in ClinVar:

ClinVar aggregate classification (germline): Conflicting classifications of pathogenicity. Review status: criteria provided, conflicting classifications (1 of 4 stars). 8 submissions from 8 submitters: Uncertain significance (3); Benign (1); Likely benign (3). 1 of the submissions does not count toward it. Last evaluated 2026-02-03.

Conditions:
Polymerase proofreading-related adenomatous polyposis. Also called: Polymerase proofreading associated polyposis; Polymerase proofreading–associated polyposis (PPAP). Identifiers: Orphanet 447877, MedGen C5202613, MONDO:0018653.
Colorectal cancer, susceptibility to, 12 (CRCS12). Also called: COLORECTAL CANCER, SUSCEPTIBILITY TO, ON CHROMOSOME 12q24. Identifiers: Orphanet 220460, MedGen C3554460, MONDO:0014038, OMIM 615083.
Hereditary cancer-predisposing syndrome. Also called: Tumor predisposition; Neoplastic Syndromes, Hereditary; Hereditary Cancer Syndrome; Hereditary neoplastic syndrome. Identifiers: Orphanet 140162, MedGen C0027672, MeSH D009386, MONDO:0015356.
Familial colorectal cancer. Identifiers: MedGen CN280943, MONDO:0023113. Disease mechanism: loss of function.

Allele frequency attached by ClinVar (database versions not stated): gnomAD exomes 0.00004 and 0.00018; gnomAD 0.00005 and 0.00007; TOPMed 0.00010; ExAC 0.00020; 1000 Genomes Project 30x 0.00047; 1000 Genomes Project 0.00060.

Submissions (8):

Labcorp Genetics (formerly Invitae), Labcorp
Classification: Likely benign. Last evaluated: 2026-02-03. Review status: criteria provided, single submitter. Criteria: Invitae Variant Classification Sherloc (09022015). Collection method: clinical testing. Allele origin: germline.

Center for Genomic Medicine, Rigshospitalet, Copenhagen University Hospital
Classification: Uncertain significance. Last evaluated: 2025-03-04. Review status: criteria provided, single submitter. Criteria: ACMG Guidelines, 2015. Collection method: clinical testing. Allele origin: germline.

Department of Pathology and Laboratory Medicine, Sinai Health System
Classification: Uncertain significance for Polymerase proofreading-related adenomatous polyposis. Last evaluated: 2024-08-26. Review status: criteria provided, single submitter. Criteria: ACMG Guidelines, 2015. Collection method: clinical testing. Allele origin: germline. Affected: yes.

Ambry Genetics
Classification: Benign for Hereditary cancer-predisposing syndrome. Last evaluated: 2024-02-28. Review status: criteria provided, single submitter. Criteria: Ambry Variant Classification Scheme 2023. Collection method: clinical testing. Allele origin: germline.

Women's Health and Genetics/Laboratory Corporation of America, LabCorp
Classification: Likely benign. Last evaluated: 2021-11-20. Review status: criteria provided, single submitter. Criteria: LabCorp Variant Classification Summary - May 2015. Collection method: clinical testing. Allele origin: germline.

GeneDx
Classification: Likely benign. Last evaluated: 2019-09-10. Review status: criteria provided, single submitter. Criteria: GeneDx Variant Classification Process June 2021. Collection method: clinical testing. Allele origin: germline. Affected: yes.
Comment: In silico analysis, which includes protein predictors and evolutionary conservation, supports that this variant does not alter protein structure/function; Observed in individuals with a personal history of endometrial cancer (Wong 2016); This variant is associated with the following publications: (PMID: 26748215, 29056344)

Mendelics
Classification: Uncertain significance for Familial colorectal cancer. Last evaluated: 2018-07-02. Review status: criteria provided, single submitter. Criteria: Mendelics Assertion Criteria 2017. Collection method: clinical testing. Allele origin: unknown.

Counsyl
Classification: Uncertain significance for Colorectal cancer, susceptibility to, 12. Last evaluated: 2017-01-25. Review status: no assertion criteria provided. Collection method: clinical testing. Allele origin: unknown. Not counted in ClinVar's aggregate classification.

Literature cited by the submitters: PubMed 26748215 (cited by Department of Pathology and Laboratory Medicine, Sinai Health System and Counsyl).

NM_006231.4(POLE):c.6668A>G (p.Lys2223Arg)

Gene: POLE (DNA polymerase epsilon, catalytic subunit; minus strand). Cytogenetic location: 12q24.33.
Variant type: single nucleotide variant.
Coding change: c.6668A>G on transcript NM_006231.4 (MANE Select); coding-DNA position 6668, A replaced by G.
Protein change: p.Lys2223Arg; replaces lysine 2223 with arginine.
Molecular consequence: missense variant.
Genome position (GRCh38, 1-based): chr12:132,624,984, T>C on the plus strand (A>G on the coding strand, the complement: POLE is on the minus strand). VCF-style: chr12-132624984-T-C. GRCh37 (hg19) VCF-style: chr12-133201570-T-C.
Other names: short protein forms K2223R.
Identifiers: ClinVar variation 240611 (VCV000240611.24), dbSNP rs367970442, ClinGen allele CA6892018.